The following is an entry in ClinVar:

ClinVar aggregate classification (germline): Conflicting classifications of pathogenicity. Review status: criteria provided, conflicting classifications (1 of 4 stars). 2 submissions from 2 submitters: Uncertain significance (1); Likely benign (1). Last evaluated 2025-03-19.

Conditions:
Inborn genetic diseases. Identifiers: MedGen C0950123, MeSH D030342.

Allele frequency attached by ClinVar (database versions not stated): ExAC 0.00002; gnomAD 0.00003; gnomAD exomes 0.00003; TOPMed 0.00004.
gnomAD v4.1: 41 of 1,599,896 alleles (0.0026%); highest among the groups gnomAD compares: Non-Finnish European, 0.0032%; no homozygotes.

Submissions (2):

Labcorp Genetics (formerly Invitae), Labcorp
Classification: Uncertain significance. Last evaluated: 2025-03-19. Review status: criteria provided, single submitter. Criteria: Invitae Variant Classification Sherloc (09022015). Collection method: clinical testing. Allele origin: germline.
Comment: This sequence change replaces glycine, which is neutral and non-polar, with alanine, which is neutral and non-polar, at codon 4754 of the MACF1 protein (p.Gly4754Ala). This variant is present in population databases (rs770494502, gnomAD 0.005%). This variant has not been reported in the literature in individuals affected with MACF1-related conditions. ClinVar contains an entry for this variant (Variation ID: 2170747). An algorithm developed to predict the effect of missense changes on protein structure and function (PolyPhen-2) suggests that this variant is likely to be disruptive. In summary, the available evidence is currently insufficient to determine the role of this variant in disease. Therefore, it has been classified as a Variant of Uncertain Significance.

Ambry Genetics
Classification: Likely benign for Inborn genetic diseases. Last evaluated: 2023-04-12. Review status: criteria provided, single submitter. Criteria: Ambry Variant Classification Scheme 2023. Collection method: clinical testing. Allele origin: germline.

NM_001394062.1(MACF1):c.20438G>C (p.Gly6813Ala)

Gene: MACF1 (microtubule actin crosslinking factor 1; plus strand). Cytogenetic location: 1p34.3.
Variant type: single nucleotide variant.
Coding change: c.20438G>C on transcript NM_001394062.1 (MANE Select); coding-DNA position 20438, G replaced by C.
Protein change: p.Gly6813Ala; replaces glycine 6813 with alanine.
Molecular consequence: missense variant.
Genome position (GRCh38, 1-based): chr1:39,452,175, G>C. VCF-style: chr1-39452175-G-C. GRCh37 (hg19) VCF-style: chr1-39917847-G-C.
Other names: c.14261G>C (NM_012090.4); c.8516G>C, p.Gly2839Ala (NM_001397473.1); c.14261G>C, p.Gly4754Ala (NM_012090.5); short protein forms G2839A, G6813A, G4754A.
Identifiers: ClinVar variation 2170747 (VCV002170747.6), dbSNP rs770494502, ClinGen allele CA784388.